The following is an entry in ClinVar:

ClinVar aggregate classification (germline): Uncertain significance (1 of 4 stars; one submission).

Allele frequency attached by ClinVar (database versions not stated): ExAC 0.00002; ESP Exome Variant Server 0.00008; gnomAD 0.00009; TOPMed 0.00012; 1000 Genomes Project 0.00040; 1000 Genomes Project 30x 0.00047.
gnomAD v4.1: 94 of 1,613,604 alleles (0.0058%); highest among the groups gnomAD compares: Middle Eastern, 0.017%; no homozygotes.

Submission:

Labcorp Genetics (formerly Invitae), Labcorp
Classification: Uncertain significance. Last evaluated: 2022-08-01. Review status: criteria provided, single submitter. Criteria: Invitae Variant Classification Sherloc (09022015). Collection method: clinical testing. Allele origin: germline.
Comment: This sequence change replaces alanine, which is neutral and non-polar, with threonine, which is neutral and polar, at codon 922 of the ATP8A2 protein (p.Ala922Thr). This variant is present in population databases (rs190982690, gnomAD 0.01%). This variant has not been reported in the literature in individuals affected with ATP8A2-related conditions. Algorithms developed to predict the effect of missense changes on protein structure and function are either unavailable or do not agree on the potential impact of this missense change (SIFT: "Deleterious"; PolyPhen-2: "Possibly Damaging"; Align-GVGD: "Class C0"). In summary, the available evidence is currently insufficient to determine the role of this variant in disease. Therefore, it has been classified as a Variant of Uncertain Significance.

NM_016529.6(ATP8A2):c.2764G>A (p.Ala922Thr)

Gene: ATP8A2 (ATPase phospholipid transporting 8A2). Cytogenetic location: 13q12.13.
Variant type: single nucleotide variant.
Coding change: c.2764G>A on transcript NM_016529.6 (MANE Select); coding-DNA position 2764, G replaced by A.
Protein change: p.Ala922Thr; replaces alanine 922 with threonine.
Molecular consequence: missense variant.
Genome position (GRCh38, 1-based): chr13:25,837,172, G>A. VCF-style: chr13-25837172-G-A. GRCh37 (hg19) VCF-style: chr13-26411310-G-A.
Other names: c.2569G>A, p.Ala857Thr (NM_001313741.1); c.2689G>A, p.Ala897Thr (NM_001411005.1); c.2764G>A, p.Ala922Thr (NM_001411006.1); short protein forms A897T, A857T, A922T.
Identifiers: ClinVar variation 2075781 (VCV002075781.1), dbSNP rs190982690, ClinGen allele CA6923453.